The following is an entry in ClinVar:

ClinVar aggregate classification (germline): Likely benign (1 of 4 stars; one submission).

Submission:

CeGaT Center for Human Genetics Tuebingen
Classification: Likely benign. Last evaluated: 2023-08-01. Review status: criteria provided, single submitter. Criteria: CeGaT Center For Human Genetics Tuebingen Variant Classification Criteria Version 2. Collection method: clinical testing. Allele origin: germline. Affected: yes. Observed: 1 variant allele.
Comment: DYSF: PM2:Supporting, BP4, BP7

NM_001130987.2(DYSF):c.2304A>G (p.Gln768=)

Gene: DYSF (dysferlin; plus strand). Cytogenetic location: 2p13.2.
Variant type: single nucleotide variant.
Coding change: c.2304A>G on transcript NM_001130987.2 (MANE Select); coding-DNA position 2304, A replaced by G.
Protein change: p.Gln768=; no amino-acid change (glutamine 768 retained).
Molecular consequence: synonymous variant.
Genome position (GRCh38, 1-based): chr2:71,561,839, A>G. VCF-style: chr2-71561839-A-G. GRCh37 (hg19) VCF-style: chr2-71788969-A-G.
Other names: c.2253A>G, p.Gln751= (NM_001130455.2, NM_001130983.2); c.2208A>G, p.Gln736= (NM_001130976.2, NM_001130977.2); c.2250A>G, p.Gln750= (NM_001130978.2, NM_003494.4); c.2343A>G, p.Gln781= (NM_001130979.2); c.2301A>G, p.Gln767= (NM_001130980.2, NM_001130981.2); c.2346A>G, p.Gln782= (NM_001130982.2); c.2211A>G, p.Gln737= (NM_001130984.2, NM_001130986.2); c.2304A>G, p.Gln768= (NM_001130985.2).
Identifiers: ClinVar variation 2578856 (VCV002578856.25), dbSNP rs2545753267, ClinGen allele CA426701575.